The following is an entry in ClinVar:

ClinVar aggregate classification (germline): Uncertain significance. Review status: criteria provided, multiple submitters, no conflicts (2 of 4 stars). 6 submissions from 6 submitters: Uncertain significance (6). Last evaluated 2025-05-17.

Conditions:
Congenital myasthenic syndrome 5. Identifiers: Orphanet 590, MedGen C1864233, MONDO:0011281, OMIM 603034.

Allele frequency attached by ClinVar (database versions not stated): ExAC 0.00018; gnomAD exomes 0.00025 and 0.00034; TOPMed 0.00026; gnomAD 0.00033 and 0.00034; ESP Exome Variant Server 0.00038; 1000 Genomes Project 0.00040; 1000 Genomes Project 30x 0.00047.
gnomAD v4.1: 548 of 1,614,164 alleles (0.034%); highest among the groups gnomAD compares: Non-Finnish European, 0.041%; no homozygotes.

Submissions (6):

Mayo Clinic Laboratories, Mayo Clinic
Classification: Uncertain significance. Last evaluated: 2025-05-17. Review status: criteria provided, single submitter. Criteria: ACMG Guidelines, 2015. Collection method: clinical testing. Allele origin: germline. Observed: 1 variant allele.

Labcorp Genetics (formerly Invitae), Labcorp
Classification: Uncertain significance for Congenital myasthenic syndrome 5. Last evaluated: 2022-08-23. Review status: criteria provided, single submitter. Criteria: Invitae Variant Classification Sherloc (09022015). Collection method: clinical testing. Allele origin: germline.
Comment: This sequence change replaces lysine, which is basic and polar, with glutamic acid, which is acidic and polar, at codon 131 of the COLQ protein (p.Lys131Glu). This variant is present in population databases (rs142980906, gnomAD 0.04%). This variant has not been reported in the literature in individuals affected with COLQ-related conditions. ClinVar contains an entry for this variant (Variation ID: 197779). Algorithms developed to predict the effect of missense changes on protein structure and function are either unavailable or do not agree on the potential impact of this missense change (SIFT: "Deleterious"; PolyPhen-2: "Not Available"; Align-GVGD: "Class C55"). Algorithms developed to predict the effect of sequence changes on RNA splicing suggest that this variant may disrupt the consensus splice site. In summary, the available evidence is currently insufficient to determine the role of this variant in disease. Therefore, it has been classified as a Variant of Uncertain Significance.

CeGaT Center for Human Genetics Tuebingen
Classification: Uncertain significance. Last evaluated: 2020-08-01. Review status: criteria provided, single submitter. Criteria: CeGaT Center For Human Genetics Tuebingen Variant Classification Criteria Version 2. Collection method: clinical testing. Allele origin: germline. Affected: yes. Observed: 1 variant allele.

Revvity Omics, Revvity
Classification: Uncertain significance for Congenital myasthenic syndrome 5. Last evaluated: 2020-01-14. Review status: criteria provided, single submitter. Criteria: ACMG Guidelines, 2015. Collection method: clinical testing. Allele origin: germline.

Baylor Genetics
Classification: Uncertain significance for Congenital myasthenic syndrome 5. Last evaluated: 2018-08-14. Review status: criteria provided, single submitter. Criteria: ACMG Guidelines, 2015. Collection method: clinical testing. Allele origin: maternal. Affected: yes.
Comment: This variant was determined to be of uncertain significance according to ACMG Guidelines, 2015 [PMID:25741868].

Eurofins Ntd Llc (ga)
Classification: Uncertain significance. Last evaluated: 2015-01-20. Review status: criteria provided, single submitter. Criteria: EGL Classification Definitions 2015. Collection method: clinical testing. Allele origin: germline. Observed: 1 variant allele, 1 heterozygote.

NM_005677.4(COLQ):c.391A>G (p.Lys131Glu)

Gene: COLQ (collagen like tail subunit of asymmetric acetylcholinesterase; minus strand). Cytogenetic location: 3p25.1.
Variant type: single nucleotide variant.
Coding change: c.391A>G on transcript NM_005677.4 (MANE Select); coding-DNA position 391, A replaced by G.
Protein change: p.Lys131Glu; replaces lysine 131 with glutamic acid.
Molecular consequence: missense variant.
Genome position (GRCh38, 1-based): chr3:15,478,979, T>C on the plus strand (A>G on the coding strand, the complement: COLQ is on the minus strand). VCF-style: chr3-15478979-T-C. GRCh37 (hg19) VCF-style: chr3-15520486-T-C.
Other names: p.Lys131Glu; c.361A>G, p.Lys121Glu (NM_080538.2); c.289A>G, p.Lys97Glu (NM_080539.4); short protein forms K131E, K97E, K121E.
Identifiers: ClinVar variation 197779 (VCV000197779.51), dbSNP rs142980906, ClinGen allele CA246110.